The following is an entry in ClinVar:

NM_144631.6(ZNF513):c.775G>C (p.Gly259Arg)

Gene: ZNF513 (zinc finger protein 513; minus strand). Cytogenetic location: 2p23.3.
Variant type: single nucleotide variant.
Coding change: c.775G>C on transcript NM_144631.6 (MANE Select); coding-DNA position 775, G replaced by C.
Protein change: p.Gly259Arg; replaces glycine 259 with arginine.
Molecular consequence: missense variant.
Genome position (GRCh38, 1-based): chr2:27,378,491, C>G on the plus strand (G>C on the coding strand, the complement: ZNF513 is on the minus strand). VCF-style: chr2-27378491-C-G. GRCh37 (hg19) VCF-style: chr2-27601358-C-G.
Other names: c.589G>C, p.Gly197Arg (NM_001201459.2); short protein forms G197R, G259R.
Identifiers: ClinVar variation 1000308 (VCV001000308.6), dbSNP rs754114481, ClinGen allele CA1577973.

ClinVar aggregate classification (germline): Uncertain significance (1 of 4 stars; one submission).

Allele frequency attached by ClinVar (database versions not stated): TOPMed 0.00004.

Submission:

Labcorp Genetics (formerly Invitae), Labcorp
Classification: Uncertain significance. Last evaluated: 2024-04-22. Review status: criteria provided, single submitter. Criteria: Invitae Variant Classification Sherloc (09022015). Collection method: clinical testing. Allele origin: germline.
Comment: This sequence change replaces glycine, which is neutral and non-polar, with arginine, which is basic and polar, at codon 259 of the ZNF513 protein (p.Gly259Arg). This variant is present in population databases (rs754114481, gnomAD 0.008%). This variant has not been reported in the literature in individuals affected with ZNF513-related conditions. ClinVar contains an entry for this variant (Variation ID: 1000308). An algorithm developed to predict the effect of missense changes on protein structure and function (PolyPhen-2) suggests that this variant is likely to be disruptive. In summary, the available evidence is currently insufficient to determine the role of this variant in disease. Therefore, it has been classified as a Variant of Uncertain Significance.